The following is an entry in ClinVar:

NM_001378454.1(ALMS1):c.6865A>T (p.Ile2289Phe)

Gene: ALMS1 (ALMS1 centrosome and basal body associated protein; plus strand). Cytogenetic location: 2p13.1.
Variant type: single nucleotide variant.
Coding change: c.6865A>T on transcript NM_001378454.1 (MANE Select); coding-DNA position 6865, A replaced by T.
Protein change: p.Ile2289Phe; replaces isoleucine 2289 with phenylalanine.
Molecular consequence: missense variant.
Genome position (GRCh38, 1-based): chr2:73,453,392, A>T. VCF-style: chr2-73453392-A-T. GRCh37 (hg19) VCF-style: chr2-73680519-A-T.
Other names: c.6868A>T, p.Ile2290Phe (NM_015120.4); short protein forms I2290F, I2289F.
Identifiers: ClinVar variation 1755864 (VCV001755864.2), dbSNP rs200087520, ClinGen allele CA1714140.
Genomic context (GRCh38, chr2:73,453,392, plus strand): 5'-GCAGAAAATATGGCACTGAAACGATGCAATTTTCCTGCTCCCCTTGCCCGTTTCAGAGAT[A>T]TTAGTGATATTTCATTTATACAATCTAAGAAGGTGGTTTGCTTCAAAGAACCCTCTTCCA-3'
Protein context (NP_001365383.1, residues 2279-2299): FPAPLARFRD[Ile2289Phe]SDISFIQSKK

ClinVar aggregate classification (germline): Uncertain significance (1 of 4 stars; one submission).

Conditions:
Cardiovascular phenotype. Identifiers: MedGen CN230736.

Allele frequency attached by ClinVar (database versions not stated): TOPMed below 0.00001; ExAC 0.00001; gnomAD 0.00002; 1000 Genomes Project 30x 0.00016; 1000 Genomes Project 0.00020.
gnomAD v4.1: 12 of 1,613,870 alleles (0.00074%); highest among the groups gnomAD compares: East Asian, 0.025%; no homozygotes.

Submission:

Ambry Genetics
Classification: Uncertain significance for Cardiovascular phenotype. Last evaluated: 2022-10-31. Review status: criteria provided, single submitter. Criteria: Ambry Variant Classification Scheme 2023. Collection method: clinical testing. Allele origin: germline.
Comment: The p.I2290F variant (also known as c.6868A>T), located in coding exon 8 of the ALMS1 gene, results from an A to T substitution at nucleotide position 6868. The isoleucine at codon 2290 is replaced by phenylalanine, an amino acid with highly similar properties. This amino acid position is poorly conserved in available vertebrate species. In addition, the in silico prediction for this alteration is inconclusive. Since supporting evidence is limited at this time, the clinical significance of this alteration remains unclear.